The following is an entry in ClinVar:

NM_001130144.3(LTBP3):c.310A>T (p.Thr104Ser)

Gene: LTBP3 (latent transforming growth factor beta binding protein 3; minus strand). Cytogenetic location: 11q13.1.
Variant type: single nucleotide variant.
Coding change: c.310A>T on transcript NM_001130144.3 (MANE Select); coding-DNA position 310, A replaced by T.
Protein change: p.Thr104Ser; replaces threonine 104 with serine.
Molecular consequence: missense variant. On other transcripts: 5 prime UTR variant (1).
Genome position (GRCh38, 1-based): chr11:65,557,650, T>A on the plus strand (A>T on the coding strand, the complement: LTBP3 is on the minus strand). VCF-style: chr11-65557650-T-A. GRCh37 (hg19) VCF-style: chr11-65325121-T-A.
Other names: c.-38A>T (NM_001164266.1); c.310A>T, p.Thr104Ser (NM_021070.4); short protein forms T104S.
Identifiers: ClinVar variation 3292249 (VCV003292249.1).

ClinVar aggregate classification (germline): Uncertain significance (1 of 4 stars; one submission).

Conditions:
Inborn genetic diseases. Identifiers: MedGen C0950123, MeSH D030342.

Submission:

Ambry Genetics
Classification: Uncertain significance for Inborn genetic diseases. Last evaluated: 2024-05-17. Review status: criteria provided, single submitter. Criteria: Ambry Variant Classification Scheme 2023. Collection method: clinical testing. Allele origin: germline.
Comment: The p.T104S variant (also known as c.310A>T), located in coding exon 1 of the LTBP3 gene, results from an A to T substitution at nucleotide position 310. The threonine at codon 104 is replaced by serine, an amino acid with similar properties. This amino acid position is conserved. In addition, the in silico prediction for this alteration is inconclusive. Based on the available evidence, the clinical significance of this variant remains unclear.